The following is an entry in ClinVar:

ClinVar aggregate classification (germline): Uncertain significance (1 of 4 stars; one submission).

Submission:

GeneDx
Classification: Uncertain significance. Last evaluated: 2022-10-28. Review status: criteria provided, single submitter. Criteria: GeneDx Variant Classification Process June 2021. Collection method: clinical testing. Allele origin: germline. Affected: yes.
Comment: Not observed at significant frequency in large population cohorts (gnomAD); In silico analysis supports that this missense variant does not alter protein structure/function; Has not been previously published as pathogenic or benign to our knowledge

NM_012330.4(KAT6B):c.2918C>T (p.Thr973Ile)

Gene: KAT6B (lysine acetyltransferase 6B; plus strand). Cytogenetic location: 10q22.2.
Variant type: single nucleotide variant.
Coding change: c.2918C>T on transcript NM_012330.4 (MANE Select); coding-DNA position 2918, C replaced by T.
Protein change: p.Thr973Ile; replaces threonine 973 with isoleucine.
Molecular consequence: missense variant.
Genome position (GRCh38, 1-based): chr10:75,021,182, C>T. VCF-style: chr10-75021182-C-T. GRCh37 (hg19) VCF-style: chr10-76780940-C-T.
Other names: c.2369C>T, p.Thr790Ile (NM_001256468.2, NM_001370138.1); c.2042C>T, p.Thr681Ile (NM_001256469.2, NM_001370139.1, NM_001370140.1 and 2 more transcripts); c.1880C>T, p.Thr627Ile (NM_001370132.1); c.1229C>T, p.Thr410Ile (NM_001370133.1); c.833C>T, p.Thr278Ile (NM_001370134.1); c.575C>T, p.Thr192Ile (NM_001370135.1); c.2918C>T, p.Thr973Ile (NM_001370136.1, NM_001370137.1); c.1853C>T, p.Thr618Ile (NM_001370143.1, NM_001370144.1); short protein forms T192I, T278I, T410I, T618I, T627I, T681I, T790I, T973I.
Identifiers: ClinVar variation 2500460 (VCV002500460.1), dbSNP rs2549164923, ClinGen allele CA377281989.